The following is an entry in ClinVar:

ClinVar aggregate classification (germline): Uncertain significance (1 of 4 stars; one submission).

gnomAD v4.1: 1 of 1,613,998 alleles (0.000062%); highest among the groups gnomAD compares: African/African-American, 0.0013%; no homozygotes.

Submission:

Labcorp Genetics (formerly Invitae), Labcorp
Classification: Uncertain significance. Last evaluated: 2025-10-01. Review status: criteria provided, single submitter. Criteria: Invitae Variant Classification Sherloc (09022015). Collection method: clinical testing. Allele origin: germline.
Comment: This sequence change replaces methionine, which is neutral and non-polar, with valine, which is neutral and non-polar, at codon 45 of the GEN1 protein (p.Met45Val). This variant is not present in population databases (gnomAD no frequency). This variant has not been reported in the literature in individuals affected with GEN1-related conditions. ClinVar contains an entry for this variant (Variation ID: 3006963). An algorithm developed to predict the effect of missense changes on protein structure and function outputs the following: PolyPhen-2: "Benign". The valine amino acid residue is found in multiple mammalian species, which suggests that this missense change does not adversely affect protein function. In summary, the available evidence is currently insufficient to determine the role of this variant in disease. Therefore, it has been classified as a Variant of Uncertain Significance.

NM_001130009.3(GEN1):c.133A>G (p.Met45Val)

Gene: GEN1 (GEN1 structure-specific endonuclease; plus strand). Cytogenetic location: 2p24.2.
Variant type: single nucleotide variant.
Coding change: c.133A>G on transcript NM_001130009.3 (MANE Select); coding-DNA position 133, A replaced by G.
Protein change: p.Met45Val; replaces methionine 45 with valine.
Molecular consequence: missense variant.
Genome position (GRCh38, 1-based): chr2:17,760,076, A>G. VCF-style: chr2-17760076-A-G. GRCh37 (hg19) VCF-style: chr2-17941343-A-G.
Other names: c.133A>G, p.Met45Val (NM_182625.5); short protein forms M45V.
Identifiers: ClinVar variation 3006963 (VCV003006963.3), dbSNP rs2545543617, ClinGen allele CA345905916.